The following is an entry in ClinVar:

ClinVar aggregate classification (germline): Uncertain significance. Review status: criteria provided, multiple submitters, no conflicts (2 of 4 stars). 2 submissions from 2 submitters: Uncertain significance (2). Last evaluated 2025-01-06.

Conditions:
Hyperornithinemia-hyperammonemia-homocitrullinuria syndrome (HHHS). Also called: Ornithine translocase deficiency; HHH SYNDROME. Identifiers: Orphanet 415, MedGen C0268540, MONDO:0009393, OMIM 238970.

Allele frequency attached by ClinVar (database versions not stated): gnomAD exomes below 0.00001.
gnomAD v4.1: 5 of 1,613,496 alleles (0.00031%); highest among the groups gnomAD compares: Admixed American, 0.005%; no homozygotes.

Submissions (2):

Women's Health and Genetics/Laboratory Corporation of America, LabCorp
Classification: Uncertain significance. Last evaluated: 2025-01-06. Review status: criteria provided, single submitter. Criteria: LabCorp Variant Classification Summary - May 2015. Collection method: clinical testing. Allele origin: germline.
Comment: Variant summary: SLC25A15 c.646G>A (p.Gly216Ser) results in a non-conservative amino acid change located in the Mitochondrial carrier protein domain (IPR018108) of the encoded protein sequence. Five of five in-silico tools predict a damaging effect of the variant on protein function. The variant allele was found at a frequency of 4e-06 in 251182 control chromosomes. c.646G>A has been reported in the literature in one individual affected with Hyperornithinemia-Hyperammonemia-Homocitrullinuria Syndrome (Tessa_2009). These data indicate that the variant may be associated with disease. To our knowledge, no experimental evidence demonstrating an impact on protein function has been reported. The following publications have been ascertained in the context of this evaluation (PMID: 19242930, 22292090). ClinVar contains an entry for this variant (Variation ID: 1478200). Based on the evidence outlined above, the variant was classified as VUS-possibly pathogenic.

Labcorp Genetics (formerly Invitae), Labcorp
Classification: Uncertain significance for Hyperornithinemia-hyperammonemia-homocitrullinuria syndrome. Last evaluated: 2024-09-29. Review status: criteria provided, single submitter. Criteria: Invitae Variant Classification Sherloc (09022015). Collection method: clinical testing. Allele origin: germline.
Comment: This sequence change replaces glycine, which is neutral and non-polar, with serine, which is neutral and polar, at codon 216 of the SLC25A15 protein (p.Gly216Ser). The frequency data for this variant in the population databases is considered unreliable, as metrics indicate poor data quality at this position in the gnomAD database. This missense change has been observed in individuals with hyperornithinemia-hyperammonemia-homocitrullinuria syndrome (PMID: 19242930; internal data). ClinVar contains an entry for this variant (Variation ID: 1478200). Invitae Evidence Modeling of protein sequence and biophysical properties (such as structural, functional, and spatial information, amino acid conservation, physicochemical variation, residue mobility, and thermodynamic stability) has been performed for this missense variant. However, the output from this modeling did not meet the statistical confidence thresholds required to predict the impact of this variant on SLC25A15 protein function. In summary, the available evidence is currently insufficient to determine the role of this variant in disease. Therefore, it has been classified as a Variant of Uncertain Significance.

Literature cited by the submitters: PubMed 19242930 (cited by Women's Health and Genetics/Laboratory Corporation of America, LabCorp and Labcorp Genetics (formerly Invitae), Labcorp); PubMed 22292090 (cited by Women's Health and Genetics/Laboratory Corporation of America, LabCorp).

NM_014252.4(SLC25A15):c.646G>A (p.Gly216Ser)

Gene: SLC25A15 (solute carrier family 25 member 15; plus strand). Cytogenetic location: 13q14.11.
Variant type: single nucleotide variant.
Coding change: c.646G>A on transcript NM_014252.4 (MANE Select); coding-DNA position 646, G replaced by A.
Protein change: p.Gly216Ser; replaces glycine 216 with serine.
Molecular consequence: missense variant.
Genome position (GRCh38, 1-based): chr13:40,808,461, G>A. VCF-style: chr13-40808461-G-A. GRCh37 (hg19) VCF-style: chr13-41382597-G-A.
Other names: short protein forms G216S.
Identifiers: ClinVar variation 1478200 (VCV001478200.9), dbSNP rs1417167600, ClinGen allele CA387918769.